The following is an entry in ClinVar:

NM_016239.4(MYO15A):c.4461C>T (p.Asn1487=)

Gene: MYO15A (myosin XVA; plus strand). Cytogenetic location: 17p11.2.
Variant type: single nucleotide variant.
Coding change: c.4461C>T on transcript NM_016239.4 (MANE Select); coding-DNA position 4461, C replaced by T.
Protein change: p.Asn1487=; no amino-acid change (asparagine 1487 retained).
Molecular consequence: synonymous variant.
Genome position (GRCh38, 1-based): chr17:18,133,365, C>T. VCF-style: chr17-18133365-C-T. GRCh37 (hg19) VCF-style: chr17-18036679-C-T.
Identifiers: ClinVar variation 667135 (VCV000667135.13), dbSNP rs201076604, ClinGen allele CA8423887.

ClinVar aggregate classification (germline): Likely benign. Review status: criteria provided, multiple submitters, no conflicts (2 of 4 stars). 5 submissions from 5 submitters: Likely benign (4). 1 of the submissions does not count toward it. Last evaluated 2025-12-14.

Conditions:
MYO15A-related disorder. Also called: MYO15A-related condition.

Allele frequency attached by ClinVar (database versions not stated): gnomAD 0.00011 and 0.00012; ESP Exome Variant Server 0.00016; ExAC 0.00017; gnomAD exomes 0.00013 and 0.00026; TOPMed 0.00015; 1000 Genomes Project 0.00020; 1000 Genomes Project 30x 0.00016.
gnomAD v4.1: 402 of 1,614,190 alleles (0.025%); highest among the groups gnomAD compares: Non-Finnish European, 0.03%; no homozygotes.

Submissions (5):

Labcorp Genetics (formerly Invitae), Labcorp
Classification: Likely benign. Last evaluated: 2025-12-14. Review status: criteria provided, single submitter. Criteria: Invitae Variant Classification Sherloc (09022015). Collection method: clinical testing. Allele origin: germline.

GeneDx
Classification: Likely benign. Last evaluated: 2021-04-21. Review status: criteria provided, single submitter. Criteria: GeneDx Variant Classification Process June 2021. Collection method: clinical testing. Allele origin: germline. Affected: yes.

Laboratory for Molecular Medicine, Mass General Brigham Personalized Medicine
Classification: Likely benign. Last evaluated: 2012-04-30. Review status: criteria provided, single submitter. Criteria: LMM Criteria. Collection method: clinical testing. Allele origin: germline. Observed: 1 variant allele.
Comment: Asn1487Asn in Exon 12 of MYO15A: This variant is not expected to have clinical s ignificance because it does not alter an amino acid residue, is not located with in the splice consensus sequence, and has been identified in 1/6830 European Ame rican chromosomes from a broad population by the NHLBI Exome Sequencing Project (dbSNP rs148373580).

Breakthrough Genomics
Classification: Likely benign. Review status: criteria provided, single submitter. Criteria: ACMG Guidelines, 2015. Collection method: not provided. Allele origin: germline. Inheritance: Autosomal recessive inheritance. Affected: yes.

PreventionGenetics, part of Exact Sciences
Classification: Likely benign for MYO15A-related condition. Last evaluated: 2019-12-09. Review status: no assertion criteria provided. Collection method: clinical testing. Allele origin: germline. Not counted in ClinVar's aggregate classification.
Comment: This variant is classified as likely benign based on ACMG/AMP sequence variant interpretation guidelines (Richards et al. 2015 PMID: 25741868, with internal and published modifications).